The following is an entry in ClinVar:

ClinVar aggregate classification (germline): Uncertain significance (1 of 4 stars; one submission).

Conditions:
Cardiovascular phenotype. Identifiers: MedGen CN230736.

gnomAD v4.1: 3 of 1,613,900 alleles (0.00019%); highest among the groups gnomAD compares: Non-Finnish European, 0.00017%; no homozygotes.

Submission:

Ambry Genetics
Classification: Uncertain significance for Cardiovascular phenotype. Last evaluated: 2022-05-06. Review status: criteria provided, single submitter. Criteria: Ambry Variant Classification Scheme 2023. Collection method: clinical testing. Allele origin: germline.
Comment: The p.T3144A variant (also known as c.9430A>G), located in coding exon 26 of the APOB gene, results from an A to G substitution at nucleotide position 9430. The threonine at codon 3144 is replaced by alanine, an amino acid with similar properties. This amino acid position is conserved. In addition, this alteration is predicted to be tolerated by in silico analysis. Since supporting evidence is limited at this time, the clinical significance of this alteration remains unclear.

NM_000384.3(APOB):c.9430A>G (p.Thr3144Ala)

Gene: APOB (apolipoprotein B; minus strand). Cytogenetic location: 2p24.1.
Variant type: single nucleotide variant.
Coding change: c.9430A>G on transcript NM_000384.3 (MANE Select); coding-DNA position 9430, A replaced by G.
Protein change: p.Thr3144Ala; replaces threonine 3144 with alanine.
Molecular consequence: missense variant.
Genome position (GRCh38, 1-based): chr2:21,007,438, T>C on the plus strand (A>G on the coding strand, the complement: APOB is on the minus strand). VCF-style: chr2-21007438-T-C. GRCh37 (hg19) VCF-style: chr2-21230310-T-C.
Other names: short protein forms T3144A.
Identifiers: ClinVar variation 1766945 (VCV001766945.2), dbSNP rs767395919, ClinGen allele CA066528.